The following is an entry in ClinVar:

NM_006343.3(MERTK):c.2593C>T (p.Arg865Trp)

Gene: MERTK (MER proto-oncogene, tyrosine kinase; plus strand). Cytogenetic location: 2q13.
Variant type: single nucleotide variant.
Coding change: c.2593C>T on transcript NM_006343.3 (MANE Select); coding-DNA position 2593, C replaced by T.
Protein change: p.Arg865Trp; replaces arginine 865 with tryptophan.
Molecular consequence: missense variant.
Genome position (GRCh38, 1-based): chr2:112,028,457, C>T. VCF-style: chr2-112028457-C-T. GRCh37 (hg19) VCF-style: chr2-112786034-C-T.
Other names: short protein forms R865W.
Identifiers: ClinVar variation 194960 (VCV000194960.56), dbSNP rs2230516, ClinGen allele CA241210.

ClinVar aggregate classification (germline): Conflicting classifications of pathogenicity. Review status: criteria provided, conflicting classifications (1 of 4 stars). 10 submissions from 10 submitters: Uncertain significance (1); Benign (2); Likely benign (4). 3 of the submissions do not count toward it. Last evaluated 2026-02-04.

Conditions:
MERTK-related disorder. Also called: MERTK-related condition.
Retinitis pigmentosa (RP). Identifiers: Orphanet 791, MedGen C0035334, MeSH D012174, MONDO:0019200, OMIM 268000. Inheritance: Autosomal dominant, autosomal recessive and X linked inheritance.
Retinitis pigmentosa 38 (RP38). Also called: ROD-CONE DYSTROPHY, CHILDHOOD-ONSET. Identifiers: Orphanet 791, MedGen C3151228, MONDO:0013469, OMIM 613862.

Allele frequency attached by ClinVar (database versions not stated): ESP Exome Variant Server 0.00138; ExAC 0.00184; gnomAD exomes 0.00186; gnomAD 0.00274; 1000 Genomes Project 30x 0.00078; 1000 Genomes Project 0.00080; TOPMed 0.00105.
gnomAD v4.1: 3,474 of 1,614,190 alleles (0.22%); highest among the groups gnomAD compares: Non-Finnish European, 0.24%; 8 homozygotes.

Submissions (10):

Women's Health and Genetics/Laboratory Corporation of America, LabCorp
Classification: Likely benign. Last evaluated: 2026-02-04. Review status: criteria provided, single submitter. Criteria: LabCorp Variant Classification Summary - May 2015. Collection method: clinical testing. Allele origin: germline.
Comment: Variant summary: MERTK c.2593C>T (p.Arg865Trp) results in a non-conservative amino acid change in the encoded protein sequence. Algorithms developed to predict the effect of missense changes on protein structure and function are either unavailable or do not agree on the potential impact of this missense change. The variant allele was found at a frequency of 0.0019 in 251466 control chromosomes, predominantly at a frequency of 0.0063 within the Finnish subpopulation in the gnomAD database, including 2 homozygotes. The observed variant frequency within Finnish control individuals in the gnomAD database exceeds the estimated maximal expected allele frequency for disease-causing variants in MERTK. c.2593C>T has been observed in individual(s) affected with MERTK-related conditions without strong evidence for causality (e.g. Dineiro_2020, McHenry_2004). These report(s) do not provide unequivocal conclusions about association of the variant with Retinitis Pigmentosa 38. At least one publication reports experimental evidence evaluating an impact on protein function, however, does not allow convincing conclusions about the variant effect (McHenry_2004). The following publications have been ascertained in the context of this evaluation (PMID: 32483926, 15111602). ClinVar contains an entry for this variant (Variation ID: 194960). Based on the evidence outlined above, the variant was classified as likely benign.

Labcorp Genetics (formerly Invitae), Labcorp
Classification: Benign. Last evaluated: 2026-01-12. Review status: criteria provided, single submitter. Criteria: Invitae Variant Classification Sherloc (09022015). Collection method: clinical testing. Allele origin: germline.

CeGaT Center for Human Genetics Tuebingen
Classification: Likely benign. Last evaluated: 2025-09-01. Review status: criteria provided, single submitter. Criteria: CeGaT Center For Human Genetics Tuebingen Variant Classification Criteria Version 2. Collection method: clinical testing. Allele origin: germline. Affected: yes. Observed: 3 variant alleles.
Comment: MERTK: BP4, BS2

Blueprint Genetics
Classification: Likely benign. Last evaluated: 2024-11-22. Review status: criteria provided, single submitter. Criteria: ACMG Guidelines, 2015. Collection method: clinical testing. Allele origin: germline.

ARUP Laboratories, Molecular Genetics and Genomics, ARUP Laboratories
Classification: Likely benign for Retinitis pigmentosa 38. Last evaluated: 2023-11-07. Review status: criteria provided, single submitter. Criteria: ARUP Molecular Germline Variant Investigation Process 2024. Collection method: clinical testing. Allele origin: germline.

Illumina Laboratory Services, Illumina
Classification: Benign for Retinitis pigmentosa. Last evaluated: 2017-08-19. Review status: criteria provided, single submitter. Criteria: ICSL Variant Classification Criteria 13 December 2019. Collection method: clinical testing. Allele origin: germline.
Comment: This variant was observed as part of a predisposition screen in an ostensibly healthy population. A literature search was performed for the gene, cDNA change, and amino acid change (where applicable). Publications were found based on this search. The evidence from the literature, in combination with allele frequency data from public databases where available, was sufficient to rule this variant out of causing disease. Therefore, this variant is classified as benign.

Eurofins Ntd Llc (ga)
Classification: Uncertain significance. Last evaluated: 2014-10-21. Review status: criteria provided, single submitter. Criteria: EGL Classification Definitions 2015. Collection method: clinical testing. Allele origin: germline. Observed: 1 variant allele, 1 heterozygote.

PreventionGenetics, part of Exact Sciences
Classification: Likely benign for MERTK-related condition. Last evaluated: 2019-06-27. Review status: no assertion criteria provided. Collection method: clinical testing. Allele origin: germline. Not counted in ClinVar's aggregate classification.
Comment: This variant is classified as likely benign based on ACMG/AMP sequence variant interpretation guidelines (Richards et al. 2015 PMID: 25741868, with internal and published modifications).

Clinical Genetics DNA and cytogenetics Diagnostics Lab, Erasmus MC, Erasmus Medical Center
Classification: Likely benign. Review status: no assertion criteria provided. Collection method: clinical testing. Allele origin: germline. Affected: yes. Study: VKGL Data-share Consensus. Not counted in ClinVar's aggregate classification.

Clinical Genetics, Academic Medical Center
Classification: Likely benign. Review status: no assertion criteria provided. Collection method: clinical testing. Allele origin: germline. Affected: yes. Study: VKGL Data-share Consensus. Not counted in ClinVar's aggregate classification.

Literature cited by the submitters: PubMed 32483926 (cited by Women's Health and Genetics/Laboratory Corporation of America, LabCorp); PubMed 15111602 (cited by 3 submitters).